The following is an entry in ClinVar:

ClinVar aggregate classification (germline): Likely pathogenic (1 of 4 stars; one submission).

Submission:

Mayo Clinic Laboratories, Mayo Clinic
Classification: Likely pathogenic. Last evaluated: 2022-08-25. Review status: criteria provided, single submitter. Criteria: ACMG Guidelines, 2015. Collection method: clinical testing. Allele origin: germline. Observed: 1 variant allele.
Comment: PM2_supporting, PVS1

NM_000093.5(COL5A1):c.3526C>T (p.Gln1176Ter)

Gene: COL5A1 (collagen type V alpha 1 chain; plus strand). Cytogenetic location: 9q34.3.
Variant type: single nucleotide variant.
Coding change: c.3526C>T on transcript NM_000093.5 (MANE Select); coding-DNA position 3526, C replaced by T.
Protein change: p.Gln1176Ter; replaces glutamine 1176 with a stop codon.
Molecular consequence: nonsense.
Genome position (GRCh38, 1-based): chr9:134,810,306, C>T. VCF-style: chr9-134810306-C-T. GRCh37 (hg19) VCF-style: chr9-137702152-C-T.
Other names: p.Gln1176*; c.3526C>T, p.Gln1176Ter (NM_001278074.1); short protein forms Q1176*.
Identifiers: ClinVar variation 2683662 (VCV002683662.1), dbSNP rs2490814263, ClinGen allele CA375453706.